The following is an entry in ClinVar:

NM_022765.4(MICAL1):c.2062C>T (p.His688Tyr)

Gene: MICAL1 (microtubule associated monooxygenase, calponin and LIM domain containing 1; minus strand). Cytogenetic location: 6q21.
Variant type: single nucleotide variant.
Coding change: c.2062C>T on transcript NM_022765.4 (MANE Select); coding-DNA position 2062, C replaced by T.
Protein change: p.His688Tyr; replaces histidine 688 with tyrosine.
Molecular consequence: missense variant.
Genome position (GRCh38, 1-based): chr6:109,447,365, G>A on the plus strand (C>T on the coding strand, the complement: MICAL1 is on the minus strand). VCF-style: chr6-109447365-G-A. GRCh37 (hg19) VCF-style: chr6-109768568-G-A.
Other names: c.1804C>T, p.His602Tyr (NM_001159291.2); c.2119C>T, p.His707Tyr (NM_001286613.2); short protein forms H707Y, H688Y, H602Y.
Identifiers: ClinVar variation 2850718 (VCV002850718.3), dbSNP rs41288558, ClinGen allele CA365225867.

ClinVar aggregate classification (germline): Uncertain significance (1 of 4 stars; one submission).

Submission:

Labcorp Genetics (formerly Invitae), Labcorp
Classification: Uncertain significance. Last evaluated: 2024-01-12. Review status: criteria provided, single submitter. Criteria: Invitae Variant Classification Sherloc (09022015). Collection method: clinical testing. Allele origin: germline.
Comment: This sequence change replaces histidine, which is basic and polar, with tyrosine, which is neutral and polar, at codon 707 of the MICAL1 protein (p.His707Tyr). This variant is present in population databases (no rsID available, gnomAD 0.0009%). This variant has not been reported in the literature in individuals affected with MICAL1-related conditions. Algorithms developed to predict the effect of missense changes on protein structure and function output the following: SIFT: "Not Available"; PolyPhen-2: "Benign"; Align-GVGD: "Not Available". The tyrosine amino acid residue is found in multiple mammalian species, which suggests that this missense change does not adversely affect protein function. In summary, the available evidence is currently insufficient to determine the role of this variant in disease. Therefore, it has been classified as a Variant of Uncertain Significance.